The following is an entry in ClinVar:

ClinVar aggregate classification (germline): Uncertain significance. Review status: criteria provided, multiple submitters, no conflicts (2 of 4 stars). 2 submissions from 2 submitters: Uncertain significance (2). Last evaluated 2025-08-24.

Conditions:
Cardiovascular phenotype. Identifiers: MedGen CN230736.
Dilated cardiomyopathy 1JJ (CMD1JJ). Identifiers: Orphanet 154, MedGen C3808935, MONDO:0014095, OMIM 615235.

gnomAD v4.1: 12 of 1,614,016 alleles (0.00074%); highest among the groups gnomAD compares: Non-Finnish European, 0.00093%; no homozygotes.

Submissions (2):

Ambry Genetics
Classification: Uncertain significance for Cardiovascular phenotype. Last evaluated: 2025-08-24. Review status: criteria provided, single submitter. Criteria: Ambry Variant Classification Scheme 2023. Collection method: clinical testing. Allele origin: germline.
Comment: The p.D115H variant (also known as c.343G>C), located in coding exon 3 of the LAMA4 gene, results from a G to C substitution at nucleotide position 343. The aspartic acid at codon 115 is replaced by histidine, an amino acid with similar properties. This amino acid position is conserved. In addition, this alteration is predicted to be tolerated by in silico analysis. Based on the available evidence, the clinical significance of this variant remains unclear.

Labcorp Genetics (formerly Invitae), Labcorp
Classification: Uncertain significance for Dilated cardiomyopathy 1JJ. Last evaluated: 2021-12-01. Review status: criteria provided, single submitter. Criteria: Invitae Variant Classification Sherloc (09022015). Collection method: clinical testing. Allele origin: germline.
Comment: In summary, the available evidence is currently insufficient to determine the role of this variant in disease. Therefore, it has been classified as a Variant of Uncertain Significance. Algorithms developed to predict the effect of missense changes on protein structure and function are either unavailable or do not agree on the potential impact of this missense change (SIFT: "Deleterious"; PolyPhen-2: "Possibly Damaging"; Align-GVGD: "Class C0"). This variant has not been reported in the literature in individuals affected with LAMA4-related conditions. This variant is present in population databases (rs781919095, gnomAD 0.004%). This sequence change replaces aspartic acid, which is acidic and polar, with histidine, which is basic and polar, at codon 115 of the LAMA4 protein (p.Asp115His).

NM_001105206.3(LAMA4):c.343G>C (p.Asp115His)

Gene: LAMA4 (laminin subunit alpha 4; minus strand). Cytogenetic location: 6q21.
Variant type: single nucleotide variant.
Coding change: c.343G>C on transcript NM_001105206.3 (MANE Select); coding-DNA position 343, G replaced by C.
Protein change: p.Asp115His; replaces aspartic acid 115 with histidine.
Molecular consequence: missense variant.
Genome position (GRCh38, 1-based): chr6:112,207,100, C>G on the plus strand (G>C on the coding strand, the complement: LAMA4 is on the minus strand). VCF-style: chr6-112207100-C-G. GRCh37 (hg19) VCF-style: chr6-112528301-C-G.
Other names: c.343G>C, p.Asp115His (NM_001105207.3, NM_002290.5); c.343G>C (NM_002290.3); short protein forms D115H.
Identifiers: ClinVar variation 1395991 (VCV001395991.7), dbSNP rs781919095, ClinGen allele CA3966192.
Genomic context (GRCh38, chr6:112,207,100, plus strand): 5'-GACAGGGGCACGGCTGGCAGAATTGGGGTGCTCCCCTGATGGAATCTCCGATATAACCAT[C>G]CAGACACTTTTCACAGTGCTCTCCTGTTGTGTTCCGCTGGCAGTGCTATGAGACAAAAGA-3'
Protein context (NP_001098676.2, residues 105-125): TTGEHCEKCL[Asp115His]GYIGDSIRGA